The following is an entry in ClinVar:

ClinVar aggregate classification (germline): Uncertain significance. Review status: criteria provided, multiple submitters, no conflicts (2 of 4 stars). 3 submissions from 3 submitters: Uncertain significance (3). Last evaluated 2024-08-28.

Conditions:
Familial thoracic aortic aneurysm and aortic dissection (TAAD). Also called: Thoracic aortic aneurysms and dissections. Identifiers: Orphanet 91387, MedGen C4707243, MONDO:0019625.
Hereditary cancer-predisposing syndrome. Also called: Tumor predisposition; Neoplastic Syndromes, Hereditary; Hereditary neoplastic syndrome; Hereditary Cancer Syndrome. Identifiers: Orphanet 140162, MedGen C0027672, MeSH D009386, MONDO:0015356.
Juvenile polyposis syndrome (JPS). Identifiers: Orphanet 2929, MedGen C0345893, MONDO:0017380, OMIM 174900.
Juvenile polyposis/hereditary hemorrhagic telangiectasia syndrome (JPHT). Also called: Juvenile Polyposis Syndrome / Hereditary Hemorrhagic Telangiectasia (JPS/HHT); JP/HHT SYNDROME; JUVENILE POLYPOSIS WITH HEREDITARY HEMORRHAGIC TELANGIECTASIA; POLYPOSIS, GENERALIZED JUVENILE, WITH PULMONARY ARTERIOVENOUS MALFORMATION; TELANGIECTASIA, HEREDITARY HEMORRHAGIC, WITH JUVENILE POLYPOSIS COLI. Identifiers: Orphanet 2929, MedGen C1832942, MONDO:0008278, OMIM 175050.

Submissions (3):

Labcorp Genetics (formerly Invitae), Labcorp
Classification: Uncertain significance for Juvenile polyposis syndrome. Last evaluated: 2024-08-28. Review status: criteria provided, single submitter. Criteria: Invitae Variant Classification Sherloc (09022015). Collection method: clinical testing. Allele origin: germline.
Comment: This sequence change replaces serine, which is neutral and polar, with alanine, which is neutral and non-polar, at codon 154 of the SMAD4 protein (p.Ser154Ala). This variant is not present in population databases (gnomAD no frequency). This variant has not been reported in the literature in individuals affected with SMAD4-related conditions. ClinVar contains an entry for this variant (Variation ID: 219690). Invitae Evidence Modeling of protein sequence and biophysical properties (such as structural, functional, and spatial information, amino acid conservation, physicochemical variation, residue mobility, and thermodynamic stability) indicates that this missense variant is not expected to disrupt SMAD4 protein function with a negative predictive value of 95%. In summary, the available evidence is currently insufficient to determine the role of this variant in disease. Therefore, it has been classified as a Variant of Uncertain Significance.

All of Us Research Program, National Institutes of Health
Classification: Uncertain significance for Juvenile polyposis/hereditary hemorrhagic telangiectasia syndrome. Last evaluated: 2024-03-05. Review status: criteria provided, single submitter. Criteria: ACMG Guidelines, 2015. Collection method: clinical testing. Allele origin: germline. Inheritance: Autosomal dominant inheritance. Observed: 1 variant allele, 1 heterozygote.
Comment: This study involves interpretation of variants in research participants for the purpose of population health screening. Participant phenotype was not available at the time of variant classification. Additional details can be found in publication PMID: 35346344, PMCID: PMC8962531

Ambry Genetics
Classification: Uncertain significance for Hereditary cancer-predisposing syndrome; Familial thoracic aortic aneurysm and aortic dissection. Last evaluated: 2023-11-15. Review status: criteria provided, single submitter. Criteria: Ambry Variant Classification Scheme 2023. Collection method: clinical testing. Allele origin: germline.
Comment: The p.S154A variant (also known as c.460T>G), located in coding exon 4 of the SMAD4 gene, results from a T to G substitution at nucleotide position 460. The serine at codon 154 is replaced by alanine, an amino acid with similar properties. This amino acid position is poorly conserved in available vertebrate species. In addition, this alteration is predicted to be tolerated by in silico analysis. Since supporting evidence is limited at this time, the clinical significance of this alteration remains unclear.

NM_005359.6(SMAD4):c.460T>G (p.Ser154Ala)

Gene: SMAD4 (SMAD family member 4; plus strand). Cytogenetic location: 18q21.2.
Variant type: single nucleotide variant.
Coding change: c.460T>G on transcript NM_005359.6 (MANE Select); coding-DNA position 460, T replaced by G.
Protein change: p.Ser154Ala; replaces serine 154 with alanine.
Molecular consequence: missense variant.
Genome position (GRCh38, 1-based): chr18:51,054,786, T>G. VCF-style: chr18-51054786-T-G. GRCh37 (hg19) VCF-style: chr18-48581156-T-G.
Other names: short protein forms S154A.
Identifiers: ClinVar variation 219690 (VCV000219690.14), dbSNP rs864622209, ClinGen allele CA348767.